The following is an entry in ClinVar:

ClinVar aggregate classification (germline): Uncertain significance. Review status: criteria provided, multiple submitters, no conflicts (2 of 4 stars). 7 submissions from 7 submitters: Uncertain significance (7). Last evaluated 2026-05-12.

Conditions:
Cardiovascular phenotype. Identifiers: MedGen CN230736.
Familial isolated arrhythmogenic right ventricular dysplasia. Identifiers: Orphanet 217656, MedGen C4274968, MONDO:0016342.
Cardiomyopathy (CMYO). Also called: Cardiomyopathies. Identifiers: Orphanet 167848, MedGen C0878544, MONDO:0004994, HP:0001638. Inheritance: Various modes of inheritance.
Arrhythmogenic right ventricular dysplasia 11. Also called: Arrhythmogenic Right Ventricular Dysplasia/Cardiomyopathy11; Arrhythmogenic right ventricular dysplasia 11 with mild palmoplantar keratoderma and woolly hair; ARRHYTHMOGENIC RIGHT VENTRICULAR DYSPLASIA, FAMILIAL, 11. Identifiers: MedGen C1864850, MONDO:0012506, OMIM 610476.

Allele frequency attached by ClinVar (database versions not stated): gnomAD 0.00001; gnomAD exomes 0.00001; TOPMed 0.00002.
gnomAD v4.1: 55 of 1,613,306 alleles (0.0034%); highest among the groups gnomAD compares: Non-Finnish European, 0.0044%; no homozygotes.

Submissions (7):

Ambry Genetics
Classification: Uncertain significance for Cardiovascular phenotype. Last evaluated: 2026-05-12. Review status: criteria provided, single submitter. Criteria: Ambry Variant Classification Scheme 2023. Collection method: clinical testing. Allele origin: germline.
Comment: The c.1057C>A (p.P353T) alteration is located in exon 8 (coding exon 8) of the DSC2 gene. This alteration results from a C to A substitution at nucleotide position 1057, causing the proline (P) at amino acid position 353 to be replaced by a threonine (T). Based on data from gnomAD, the A allele has an overall frequency of 0.001% (4/282462) total alleles studied. The highest observed frequency was 0.003% (4/128910) of European (non-Finnish) alleles. Based on insufficient or conflicting evidence, the clinical significance of this alteration remains unclear.

Labcorp Genetics (formerly Invitae), Labcorp
Classification: Uncertain significance for Arrhythmogenic right ventricular dysplasia 11. Last evaluated: 2025-01-05. Review status: criteria provided, single submitter. Criteria: Invitae Variant Classification Sherloc (09022015). Collection method: clinical testing. Allele origin: germline.
Comment: This sequence change replaces proline, which is neutral and non-polar, with threonine, which is neutral and polar, at codon 353 of the DSC2 protein (p.Pro353Thr). This variant is present in population databases (no rsID available, gnomAD 0.003%). This missense change has been observed in individual(s) with dilated cardiomyopathy (PMID: 25163546). ClinVar contains an entry for this variant (Variation ID: 410653). Invitae Evidence Modeling of protein sequence and biophysical properties (such as structural, functional, and spatial information, amino acid conservation, physicochemical variation, residue mobility, and thermodynamic stability) indicates that this missense variant is expected to disrupt DSC2 protein function with a positive predictive value of 80%. In summary, the available evidence is currently insufficient to determine the role of this variant in disease. Therefore, it has been classified as a Variant of Uncertain Significance.

Color Diagnostics, LLC DBA Color Health
Classification: Uncertain significance for Cardiomyopathy. Last evaluated: 2024-09-09. Review status: criteria provided, single submitter. Criteria: ACMG Guidelines, 2015. Collection method: clinical testing. Allele origin: germline.
Comment: This missense variant replaces proline with threonine at codon 353 of the DSC2 protein. Computational prediction suggests that this variant may have deleterious impact on protein structure and function. To our knowledge, functional studies have not been reported for this variant. This variant has been reported in an individual affected with dilated cardiomyopathy (PMID: 25163546). This variant has been identified in 4/282462 chromosomes in the general population by the Genome Aggregation Database (gnomAD). The available evidence is insufficient to determine the role of this variant in disease conclusively. Therefore, this variant is classified as a Variant of Uncertain Significance.

Women's Health and Genetics/Laboratory Corporation of America, LabCorp
Classification: Uncertain significance. Last evaluated: 2024-07-10. Review status: criteria provided, single submitter. Criteria: LabCorp Variant Classification Summary - May 2015. Collection method: clinical testing. Allele origin: germline.
Comment: Variant summary: DSC2 c.1057C>A (p.Pro353Thr) results in a non-conservative amino acid change located in the Cadherin-like domain (IPR002126) of the encoded protein sequence. Five of five in-silico tools predict a damaging effect of the variant on protein function. The variant allele was found at a frequency of 1.2e-05 in 251060 control chromosomes, predominantly at a frequency of 2.6e-05 within the Non-Finnish European subpopulation in the gnomAD database. The available data on variant occurrences in the general population are insufficient to allow any conclusion about variant significance. c.1057C>A has been reported in the literature in at least one individual affected with dilated cardiomyopathy (Haas_2014). These report(s) do not provide unequivocal conclusions about association of the variant with Cardiomyopathy. To our knowledge, no experimental evidence demonstrating an impact on protein function has been reported. The following publication has been ascertained in the context of this evaluation (PMID: 25163546). ClinVar contains an entry for this variant (Variation ID: 410653). Based on the evidence outlined above, the variant was classified as uncertain significance.

Blueprint Genetics
Classification: Uncertain significance. Last evaluated: 2024-02-21. Review status: criteria provided, single submitter. Criteria: ACMG Guidelines, 2015. Collection method: clinical testing. Allele origin: germline.

All of Us Research Program, National Institutes of Health
Classification: Uncertain significance for Familial isolated arrhythmogenic right ventricular dysplasia. Last evaluated: 2023-08-08. Review status: criteria provided, single submitter. Criteria: ACMG Guidelines, 2015. Collection method: clinical testing. Allele origin: germline. Inheritance: Autosomal dominant inheritance. Observed: 3 variant alleles, 3 heterozygotes.
Comment: This missense variant replaces proline with threonine at codon 353 of the DSC2 protein. Computational prediction suggests that this variant may have deleterious impact on protein structure and function (internally defined REVEL score threshold >= 0.7, PMID: 27666373). To our knowledge, functional studies have not been reported for this variant. This variant has been reported in an individual affected with dilated cardiomyopathy (PMID: 25163546). This variant has been identified in 4/282462 chromosomes in the general population by the Genome Aggregation Database (gnomAD). The available evidence is insufficient to determine the role of this variant in disease conclusively. Therefore, this variant is classified as a Variant of Uncertain Significance.

This study involves interpretation of variants in research participants for the purpose of population health screening. Participant phenotype was not available at the time of variant classification. Additional details can be found in publication PMID: 35346344, PMCID: PMC8962531

AiLife Diagnostics
Classification: Uncertain significance. Last evaluated: 2022-01-09. Review status: criteria provided, single submitter. Criteria: ACMG Guidelines, 2015. Collection method: clinical testing. Allele origin: germline. Affected: yes. Observed: 1 variant allele.

Literature cited by the submitters: PubMed 25163546 (cited by 5 submitters).

NM_024422.6(DSC2):c.1057C>A (p.Pro353Thr)

Gene: DSC2 (desmocollin 2; minus strand). Cytogenetic location: 18q12.1.
Variant type: single nucleotide variant.
Coding change: c.1057C>A on transcript NM_024422.6 (MANE Select); coding-DNA position 1057, C replaced by A.
Protein change: p.Pro353Thr; replaces proline 353 with threonine.
Molecular consequence: missense variant.
Genome position (GRCh38, 1-based): chr18:31,082,946, G>T on the plus strand (C>A on the coding strand, the complement: DSC2 is on the minus strand). VCF-style: chr18-31082946-G-T. GRCh37 (hg19) VCF-style: chr18-28662912-G-T.
Other names: c.1057C>A, p.Pro353Thr (NM_004949.5); short protein forms P353T.
Identifiers: ClinVar variation 410653 (VCV000410653.16), dbSNP rs999869714, ClinGen allele CA16615763.
Genomic context (GRCh38, chr18:31,082,946, plus strand): 5'-TGGTCTATACATTTTTCTTTAATTAATATCATACACTTACAGAAGTACGAGTAAATGTTG[G>T]CAAGTGGTCATTTACATCATCAATGTTAATGATACAAGTTGAAGTTGTCTGTAGACCAAA-3'
Protein context (NP_077740.1, residues 343-363): INIDDVNDHL[Pro353Thr]TFTRTSYVTS